The following is an entry in ClinVar:

NM_001007792.1(NTRK1):c.9+5T>C

Genes: NTRK1 (neurotrophic receptor tyrosine kinase 1; plus strand), SH2D2A (SH2 domain containing 2A; minus strand). Cytogenetic location: 1q23.1.
Variant type: single nucleotide variant.
Coding change: c.9+5T>C on transcript NM_001007792.1; 5 bases into the intron after coding-DNA position 9, T replaced by C.
Molecular consequence: intron variant.
Genome position (GRCh38, 1-based): chr1:156,815,843, T>C. VCF-style: chr1-156815843-T-C. GRCh37 (hg19) VCF-style: chr1-156785635-T-C.
Other names: c.69+163A>G (NM_001161442.2); c.123+163A>G (NM_003975.4, NM_001161441.2, NM_001161444.2); c.39+163A>G (NM_001161443.2).
Identifiers: ClinVar variation 3349231 (VCV003349231.1).

ClinVar aggregate classification (germline): Likely benign (0 of 4 stars; one submission).

Conditions:
NTRK1-related disorder. Also called: NTRK1-related condition.

gnomAD v4.1: 1 of 1,614,098 alleles (0.000062%); highest among the groups gnomAD compares: Non-Finnish European, 0.000085%; no homozygotes.

Submission:

PreventionGenetics, part of Exact Sciences
Classification: Likely benign for NTRK1-related condition. Last evaluated: 2024-03-28. Review status: no assertion criteria provided. Collection method: clinical testing. Allele origin: germline.
Comment: This variant is classified as likely benign based on ACMG/AMP sequence variant interpretation guidelines (Richards et al. 2015 PMID: 25741868, with internal and published modifications).